The following is an entry in ClinVar:

ClinVar aggregate classification (germline): Uncertain significance (1 of 4 stars; one submission).

Conditions:
Charcot-Marie-Tooth disease type 2R. Also called: CHARCOT-MARIE-TOOTH NEUROPATHY, TYPE 2R; CHARCOT-MARIE-TOOTH DISEASE, AXONAL, AUTOSOMAL RECESSIVE, TYPE 2R; Charcot-Marie-Tooth disease, axonal, type 2R. Identifiers: Orphanet 397968, MedGen C3809655, MONDO:0014208, OMIM 615490.

Submission:

Labcorp Genetics (formerly Invitae), Labcorp
Classification: Uncertain significance for Charcot-Marie-Tooth disease type 2R. Last evaluated: 2022-12-15. Review status: criteria provided, single submitter. Criteria: Invitae Variant Classification Sherloc (09022015). Collection method: clinical testing. Allele origin: germline.
Comment: This sequence change replaces aspartic acid, which is acidic and polar, with asparagine, which is neutral and polar, at codon 286 of the TRIM2 protein (p.Asp286Asn). This variant is present in population databases (no rsID available, gnomAD 0.006%). This variant has not been reported in the literature in individuals affected with TRIM2-related conditions. Algorithms developed to predict the effect of missense changes on protein structure and function (SIFT, PolyPhen-2, Align-GVGD) all suggest that this variant is likely to be tolerated. In summary, the available evidence is currently insufficient to determine the role of this variant in disease. Therefore, it has been classified as a Variant of Uncertain Significance.

NM_015271.5(TRIM2):c.937G>A (p.Asp313Asn)

Gene: TRIM2 (tripartite motif containing 2; plus strand). Cytogenetic location: 4q31.3.
Variant type: single nucleotide variant.
Coding change: c.937G>A on transcript NM_015271.5 (MANE Select); coding-DNA position 937, G replaced by A.
Protein change: p.Asp313Asn; replaces aspartic acid 313 with asparagine.
Molecular consequence: missense variant.
Genome position (GRCh38, 1-based): chr4:153,295,463, G>A. VCF-style: chr4-153295463-G-A. GRCh37 (hg19) VCF-style: chr4-154216615-G-A.
Other names: c.856G>A, p.Asp286Asn (NM_001130067.2, NM_001351056.2, NM_001375512.1 and 5 more transcripts); c.910G>A, p.Asp304Asn (NM_001351054.2); c.907G>A, p.Asp303Asn (NM_001351055.2); c.481G>A, p.Asp161Asn (NM_001351057.2); c.1030G>A, p.Asp344Asn (NM_001375488.1); c.1027G>A, p.Asp343Asn (NM_001375489.1); c.880G>A, p.Asp294Asn (NM_001375490.1); c.877G>A, p.Asp293Asn (NM_001375491.1); and 3 more; short protein forms D286N, D294N, D303N, D343N, D200N, D201N, D202N, D293N.
Identifiers: ClinVar variation 2756658 (VCV002756658.3), dbSNP rs1242930186, ClinGen allele CA358472604.